The following is an entry in ClinVar:

NM_001365951.3(KIF1B):c.3475G>A (p.Gly1159Ser)

Gene: KIF1B (kinesin family member 1B; plus strand). Cytogenetic location: 1p36.22.
Variant type: single nucleotide variant.
Coding change: c.3475G>A on transcript NM_001365951.3 (MANE Select); coding-DNA position 3475, G replaced by A.
Protein change: p.Gly1159Ser; replaces glycine 1159 with serine.
Molecular consequence: missense variant.
Genome position (GRCh38, 1-based): chr1:10,339,821, G>A. VCF-style: chr1-10339821-G-A. GRCh37 (hg19) VCF-style: chr1-10399879-G-A.
Other names: c.3475G>A, p.Gly1159Ser (NM_001365952.1); c.3337G>A, p.Gly1113Ser (NM_015074.3); short protein forms G1113S, G1159S.
Identifiers: ClinVar variation 3533898 (VCV003533898.1).

ClinVar aggregate classification (germline): Uncertain significance (1 of 4 stars; one submission).

Submission:

Ambry Genetics
Classification: Uncertain significance. Last evaluated: 2024-09-30. Review status: criteria provided, single submitter. Criteria: Ambry Variant Classification Scheme 2023. Collection method: clinical testing. Allele origin: germline.
Comment: The p.G1113S variant (also known as c.3337G>A), located in coding exon 29 of the KIF1B gene, results from a G to A substitution at nucleotide position 3337. The glycine at codon 1113 is replaced by serine, an amino acid with similar properties. This amino acid position is conserved. In addition, the in silico prediction for this alteration is inconclusive. Based on the available evidence, the clinical significance of this variant remains unclear.